The following is an entry in ClinVar:

NC_000012.11:g.(?_12274060)_(12318249_?)del

Gene: LRP6 (LDL receptor related protein 6; minus strand). Cytogenetic location: 12p13.2.
Variant type: Deletion.
Identifiers: ClinVar variation 2424416 (VCV002424416.4).

ClinVar aggregate classification (germline): Uncertain significance (1 of 4 stars; one submission).

Submission:

Labcorp Genetics (formerly Invitae), Labcorp
Classification: Uncertain significance. Last evaluated: 2022-05-08. Review status: criteria provided, single submitter. Criteria: Invitae Variant Classification Sherloc (09022015). Collection method: clinical testing. Allele origin: germline.
Comment: This variant is a gross deletion of the genomic region encompassing exon(s) 8-23 of the LRP6 gene, which includes the termination codon. This deletion extends beyond the assayed region for this gene and therefore may encompass additional genes. While this deletion is not anticipated to lead to nonsense mediated decay, it is expected to alter mRNA translation or result in a truncated protein product. This variant has not been reported in the literature in individuals affected with LRP6-related conditions. In summary, the available evidence is currently insufficient to determine the role of this variant in disease. Therefore, it has been classified as a Variant of Uncertain Significance.